The following is an entry in ClinVar:

NM_014014.5(SNRNP200):c.5021A>G (p.His1674Arg)

Gene: SNRNP200 (small nuclear ribonucleoprotein U5 subunit 200; minus strand). Cytogenetic location: 2q11.2.
Variant type: single nucleotide variant.
Coding change: c.5021A>G on transcript NM_014014.5 (MANE Select); coding-DNA position 5021, A replaced by G.
Protein change: p.His1674Arg; replaces histidine 1674 with arginine.
Molecular consequence: missense variant.
Genome position (GRCh38, 1-based): chr2:96,281,817, T>C on the plus strand (A>G on the coding strand, the complement: SNRNP200 is on the minus strand). VCF-style: chr2-96281817-T-C. GRCh37 (hg19) VCF-style: chr2-96947555-T-C.
Other names: short protein forms H1674R.
Identifiers: ClinVar variation 2122540 (VCV002122540.4), dbSNP rs2467319149, ClinGen allele CA347662100.

ClinVar aggregate classification (germline): Uncertain significance (1 of 4 stars; one submission).

Submission:

Labcorp Genetics (formerly Invitae), Labcorp
Classification: Uncertain significance. Last evaluated: 2022-11-22. Review status: criteria provided, single submitter. Criteria: Invitae Variant Classification Sherloc (09022015). Collection method: clinical testing. Allele origin: germline.
Comment: Advanced modeling of protein sequence and biophysical properties (such as structural, functional, and spatial information, amino acid conservation, physicochemical variation, residue mobility, and thermodynamic stability) performed at Invitae indicates that this missense variant is not expected to disrupt SNRNP200 protein function. This variant has not been reported in the literature in individuals affected with SNRNP200-related conditions. This variant is not present in population databases (gnomAD no frequency). This sequence change replaces histidine, which is basic and polar, with arginine, which is basic and polar, at codon 1674 of the SNRNP200 protein (p.His1674Arg). In summary, the available evidence is currently insufficient to determine the role of this variant in disease. Therefore, it has been classified as a Variant of Uncertain Significance.